The following is an entry in ClinVar:

NM_001384732.1(CPLANE1):c.5255G>T (p.Arg1752Met)

Gene: CPLANE1 (ciliogenesis and planar polarity effector complex subunit 1; minus strand). Cytogenetic location: 5p13.2.
Variant type: single nucleotide variant.
Coding change: c.5255G>T on transcript NM_001384732.1 (MANE Select); coding-DNA position 5255, G replaced by T.
Protein change: p.Arg1752Met; replaces arginine 1752 with methionine.
Molecular consequence: missense variant.
Genome position (GRCh38, 1-based): chr5:37,182,926, C>A on the plus strand (G>T on the coding strand, the complement: CPLANE1 is on the minus strand). VCF-style: chr5-37182926-C-A. GRCh37 (hg19) VCF-style: chr5-37183028-C-A.
Other names: c.5255G>T, p.Arg1752Met (NM_023073.4); short protein forms R1752M.
Identifiers: ClinVar variation 1970440 (VCV001970440.5), dbSNP rs763933855, ClinGen allele CA3238587.

ClinVar aggregate classification (germline): Uncertain significance (1 of 4 stars; one submission).

Allele frequency attached by ClinVar (database versions not stated): ExAC 0.00002.
gnomAD v4.1: 2 of 1,605,162 alleles (0.00012%); highest among the groups gnomAD compares: South Asian, 0.0022%; no homozygotes.

Submission:

Labcorp Genetics (formerly Invitae), Labcorp
Classification: Uncertain significance. Last evaluated: 2024-03-11. Review status: criteria provided, single submitter. Criteria: Invitae Variant Classification Sherloc (09022015). Collection method: clinical testing. Allele origin: germline.
Comment: This sequence change replaces arginine, which is basic and polar, with methionine, which is neutral and non-polar, at codon 1752 of the CPLANE1 protein (p.Arg1752Met). This variant is present in population databases (rs763933855, gnomAD 0.01%). This variant has not been reported in the literature in individuals affected with CPLANE1-related conditions. ClinVar contains an entry for this variant (Variation ID: 1970440). Advanced modeling of protein sequence and biophysical properties (such as structural, functional, and spatial information, amino acid conservation, physicochemical variation, residue mobility, and thermodynamic stability) has been performed at Invitae for this missense variant, however the output from this modeling did not meet the statistical confidence thresholds required to predict the impact of this variant on CPLANE1 protein function. In summary, the available evidence is currently insufficient to determine the role of this variant in disease. Therefore, it has been classified as a Variant of Uncertain Significance.